The following is an entry in ClinVar:

NM_001164508.2(NEB):c.19944+7A>G

Gene: NEB (nebulin; minus strand). Cytogenetic location: 2q23.3.
Variant type: single nucleotide variant.
Coding change: c.19944+7A>G on transcript NM_001164508.2 (MANE Select); 7 bases into the intron after coding-DNA position 19944, A replaced by G.
Molecular consequence: intron variant.
Genome position (GRCh38, 1-based): chr2:151,551,731, T>C on the plus strand (A>G on the coding strand, the complement: NEB is on the minus strand). VCF-style: chr2-151551731-T-C. GRCh37 (hg19) VCF-style: chr2-152408245-T-C.
Other names: c.14841+7A>G (NM_004543.5); c.19944+7A>G (NM_001164507.2, NM_001271208.2).
Identifiers: ClinVar variation 653949 (VCV000653949.10), dbSNP rs201751179, ClinGen allele CA536643176.

ClinVar aggregate classification (germline): Uncertain significance. Review status: criteria provided, single submitter (1 of 4 stars). 2 submissions from 2 submitters: Uncertain significance (1). 1 of the submissions does not count toward it. Last evaluated 2022-02-18.

Conditions:
Nemaline myopathy 2 (NEM2). Also called: Nemaline myopathy 2, autosomal recessive. Identifiers: MedGen C1850569, MONDO:0009725, OMIM 256030.

Allele frequency attached by ClinVar (database versions not stated): gnomAD exomes below 0.00001 and 0.00001; gnomAD 0.00001; TOPMed 0.00002.
gnomAD v4.1: 5 of 1,610,704 alleles (0.00031%); highest among the groups gnomAD compares: East Asian, 0.0089%; no homozygotes.

Submissions (2):

Labcorp Genetics (formerly Invitae), Labcorp
Classification: Uncertain significance for Nemaline myopathy 2. Last evaluated: 2022-02-18. Review status: criteria provided, single submitter. Criteria: Invitae Variant Classification Sherloc (09022015). Collection method: clinical testing. Allele origin: germline.
Comment: This sequence change falls in intron 129 of the NEB gene. It does not directly change the encoded amino acid sequence of the NEB protein. This variant is present in population databases (no rsID available, gnomAD 0.02%). This variant has not been reported in the literature in individuals affected with NEB-related conditions. ClinVar contains an entry for this variant (Variation ID: 653949). Algorithms developed to predict the effect of sequence changes on RNA splicing suggest that this variant may create or strengthen a splice site. In summary, the available evidence is currently insufficient to determine the role of this variant in disease. Therefore, it has been classified as a Variant of Uncertain Significance.

Natera, Inc.
Classification: Uncertain significance for Nemaline myopathy type 2. Last evaluated: 2020-12-11. Review status: no assertion criteria provided. Collection method: clinical testing. Allele origin: germline. Not counted in ClinVar's aggregate classification.